The following is an entry in ClinVar:

NM_020779.4(WDR35):c.1721T>C (p.Val574Ala)

Gene: WDR35 (WD repeat domain 35; minus strand). Cytogenetic location: 2p24.1.
Variant type: single nucleotide variant.
Coding change: c.1721T>C on transcript NM_020779.4 (MANE Select); coding-DNA position 1721, T replaced by C.
Protein change: p.Val574Ala; replaces valine 574 with alanine.
Molecular consequence: missense variant.
Genome position (GRCh38, 1-based): chr2:19,945,910, A>G on the plus strand (T>C on the coding strand, the complement: WDR35 is on the minus strand). VCF-style: chr2-19945910-A-G. GRCh37 (hg19) VCF-style: chr2-20145671-A-G.
Other names: c.1754T>C, p.Val585Ala (NM_001006657.2); short protein forms V574A, V585A.
Identifiers: ClinVar variation 3360443 (VCV003360443.1).

ClinVar aggregate classification (germline): Uncertain significance (1 of 4 stars; one submission).

Submission:

GeneDx
Classification: Uncertain significance. Last evaluated: 2023-06-26. Review status: criteria provided, single submitter. Criteria: GeneDx Variant Classification Process June 2021. Collection method: clinical testing. Allele origin: germline. Affected: yes.
Comment: Not observed at significant frequency in large population cohorts (gnomAD); In silico analysis supports that this missense variant does not alter protein structure/function; Has not been previously published as pathogenic or benign to our knowledge